The following is an entry in ClinVar:

NM_000053.4(ATP7B):c.3787G>A (p.Ala1263Thr)

Gene: ATP7B (ATPase copper transporting beta; minus strand). Cytogenetic location: 13q14.3.
Variant type: single nucleotide variant.
Coding change: c.3787G>A on transcript NM_000053.4 (MANE Select); coding-DNA position 3787, G replaced by A.
Protein change: p.Ala1263Thr; replaces alanine 1263 with threonine.
Molecular consequence: missense variant.
Genome position (GRCh38, 1-based): chr13:51,937,592, C>T on the plus strand (G>A on the coding strand, the complement: ATP7B is on the minus strand). VCF-style: chr13-51937592-C-T. GRCh37 (hg19) VCF-style: chr13-52511728-C-T.
Other names: c.3166G>A, p.Ala1056Thr (NM_001005918.3); c.3454G>A, p.Ala1152Thr (NM_001243182.2); c.3553G>A, p.Ala1185Thr (NM_001330578.2); c.3535G>A, p.Ala1179Thr (NM_001330579.2); short protein forms A1056T, A1152T, A1179T, A1185T, A1263T.
Identifiers: ClinVar variation 1020549 (VCV001020549.12), dbSNP rs781514805, ClinGen allele CA6988567.

ClinVar aggregate classification (germline): Uncertain significance. Review status: criteria provided, multiple submitters, no conflicts (2 of 4 stars). 4 submissions from 4 submitters: Uncertain significance (3). 1 of the submissions does not count toward it. Last evaluated 2024-09-27.

Conditions:
Wilson disease (WND). Also called: Wilson's disease. Identifiers: Orphanet 905, MedGen C0019202, MONDO:0010200, OMIM 277900. Disease mechanism: loss of function.

Allele frequency attached by ClinVar (database versions not stated): ExAC 0.00001; gnomAD exomes 0.00001.
gnomAD v4.1: 5 of 1,614,258 alleles (0.00031%); highest among the groups gnomAD compares: Non-Finnish European, 0.00034%; no homozygotes.

Submissions (4):

All of Us Research Program, National Institutes of Health
Classification: Uncertain significance for Wilson disease. Last evaluated: 2024-09-27. Review status: criteria provided, single submitter. Criteria: ACMG Guidelines, 2015. Collection method: clinical testing. Allele origin: germline. Inheritance: Autosomal recessive inheritance. Observed: 3 variant alleles, 3 heterozygotes.
Comment: This missense variant replaces alanine with threonine at codon 1263 of the ATP7B protein. Computational prediction suggests that this variant may have deleterious impact on protein structure and function (internally defined REVEL score threshold >= 0.7, PMID: 27666373). This variant alters a conserved alanine residue in the phosphorylation domain of the ATP7B protein (a.a. 1004 - 1031, 1197 - 1312), a highly conserved region that is considered to be important for ATP7B protein function (PMID: 35245129; ClinVar). To our knowledge, functional studies have not been reported for this variant. This variant has not been reported in individuals affected with Wilson disease in the literature. This variant has been identified in 2/249584 chromosomes in the general population by the Genome Aggregation Database (gnomAD). The available evidence is insufficient to determine the role of this variant in disease conclusively. Therefore, this variant is classified as a Variant of Uncertain Significance.

This study involves interpretation of variants in research participants for the purpose of population health screening. Participant phenotype was not available at the time of variant classification. Additional details can be found in publication PMID: 35346344, PMCID: PMC8962531

Color Diagnostics, LLC DBA Color Health
Classification: Uncertain significance for Wilson disease. Last evaluated: 2023-10-13. Review status: criteria provided, single submitter. Criteria: ACMG Guidelines, 2015. Collection method: clinical testing. Allele origin: germline.
Comment: This missense variant replaces alanine with threonine at codon 1263 of the ATP7B protein. Computational prediction suggests that this variant may have deleterious impact on protein structure and function. This variant alters a conserved alanine residue in the phosphorylation domain of the ATP7B protein (a.a. 1004 - 1031, 1197 - 1312), a highly conserved region that is considered to be important for ATP7B protein function (PMID: 35245129ClinVar). To our knowledge, functional studies have not been reported for this variant. This variant has not been reported in individuals affected with Wilson disease in the literature. This variant has been identified in 2/249584 chromosomes in the general population by the Genome Aggregation Database (gnomAD). The available evidence is insufficient to determine the role of this variant in disease conclusively. Therefore, this variant is classified as a Variant of Uncertain Significance.

Labcorp Genetics (formerly Invitae), Labcorp
Classification: Uncertain significance for Wilson disease. Last evaluated: 2022-04-19. Review status: criteria provided, single submitter. Criteria: Invitae Variant Classification Sherloc (09022015). Collection method: clinical testing. Allele origin: germline.
Comment: This sequence change replaces alanine, which is neutral and non-polar, with threonine, which is neutral and polar, at codon 1263 of the ATP7B protein (p.Ala1263Thr). This variant is present in population databases (rs781514805, gnomAD 0.002%). This variant has not been reported in the literature in individuals affected with ATP7B-related conditions. ClinVar contains an entry for this variant (Variation ID: 1020549). Advanced modeling of protein sequence and biophysical properties (such as structural, functional, and spatial information, amino acid conservation, physicochemical variation, residue mobility, and thermodynamic stability) performed at Invitae indicates that this missense variant is expected to disrupt ATP7B protein function. In summary, the available evidence is currently insufficient to determine the role of this variant in disease. Therefore, it has been classified as a Variant of Uncertain Significance.

Natera, Inc.
Classification: Uncertain significance for Wilson disease. Last evaluated: 2020-09-30. Review status: no assertion criteria provided. Collection method: clinical testing. Allele origin: germline. Not counted in ClinVar's aggregate classification.

Literature cited by the submitters: PubMed 35245129 (cited by All of Us Research Program, National Institutes of Health and Color Diagnostics, LLC DBA Color Health).